The following is an entry in ClinVar:

NM_003632.3(CNTNAP1):c.3036C>T (p.Asn1012=)

Gene: CNTNAP1 (contactin associated protein 1; plus strand). Cytogenetic location: 17q21.2.
Variant type: single nucleotide variant.
Coding change: c.3036C>T on transcript NM_003632.3 (MANE Select); coding-DNA position 3036, C replaced by T.
Protein change: p.Asn1012=; no amino-acid change (asparagine 1012 retained).
Molecular consequence: synonymous variant.
Genome position (GRCh38, 1-based): chr17:42,695,564, C>T. VCF-style: chr17-42695564-C-T. GRCh37 (hg19) VCF-style: chr17-40847582-C-T.
Other names: c.3036C>T (NM_003632.2).
Identifiers: ClinVar variation 1694843 (VCV001694843.33), dbSNP rs149244708, ClinGen allele CA8582229.

ClinVar aggregate classification (germline): Likely benign. Review status: criteria provided, multiple submitters, no conflicts (2 of 4 stars). 3 submissions from 3 submitters: Likely benign (2). 1 of the submissions does not count toward it. Last evaluated 2025-04-30.

Conditions:
CNTNAP1-related disorder. Also called: CNTNAP1-related condition; CNTNAP1-related disease.

Allele frequency attached by ClinVar (database versions not stated): gnomAD exomes below 0.00001 and 0.00001; TOPMed below 0.00001; ExAC 0.00001; gnomAD 0.00001; 1000 Genomes Project 30x 0.00016; 1000 Genomes Project 0.00020.
gnomAD v4.1: 13 of 1,613,582 alleles (0.00081%); highest among the groups gnomAD compares: Middle Eastern, 0.017%; no homozygotes.

Submissions (3):

Labcorp Genetics (formerly Invitae), Labcorp
Classification: Likely benign. Last evaluated: 2025-04-30. Review status: criteria provided, single submitter. Criteria: Invitae Variant Classification Sherloc (09022015). Collection method: clinical testing. Allele origin: germline.

CeGaT Center for Human Genetics Tuebingen
Classification: Likely benign. Last evaluated: 2022-05-01. Review status: criteria provided, single submitter. Criteria: CeGaT Center For Human Genetics Tuebingen Variant Classification Criteria Version 2. Collection method: clinical testing. Allele origin: germline. Affected: yes. Observed: 1 variant allele.
Comment: CNTNAP1: BP4, BP7

PreventionGenetics, part of Exact Sciences
Classification: Likely benign for CNTNAP1-related condition. Last evaluated: 2019-05-31. Review status: no assertion criteria provided. Collection method: clinical testing. Allele origin: germline. Not counted in ClinVar's aggregate classification.
Comment: This variant is classified as likely benign based on ACMG/AMP sequence variant interpretation guidelines (Richards et al. 2015 PMID: 25741868, with internal and published modifications).